The following is an entry in ClinVar:

NM_000548.5(TSC2):c.5364T>A (p.Tyr1788Ter)

Gene: TSC2 (TSC complex subunit 2; plus strand). Cytogenetic location: 16p13.3.
Variant type: single nucleotide variant.
Coding change: c.5364T>A on transcript NM_000548.5 (MANE Select); coding-DNA position 5364, T replaced by A.
Protein change: p.Tyr1788Ter; replaces tyrosine 1788 with a stop codon.
Molecular consequence: nonsense.
Genome position (GRCh38, 1-based): chr16:2,088,550, T>A. VCF-style: chr16-2088550-T-A. GRCh37 (hg19) VCF-style: chr16-2138551-T-A.
Other names: c.5163T>A, p.Tyr1721Ter (NM_001077183.3); c.5295T>A, p.Tyr1765Ter (NM_001114382.3); c.5055T>A, p.Tyr1685Ter (NM_001318827.2); c.5019T>A, p.Tyr1673Ter (NM_001318829.2); c.4632T>A, p.Tyr1544Ter (NM_001318831.2); c.5196T>A, p.Tyr1732Ter (NM_001318832.2); c.5166T>A, p.Tyr1722Ter (NM_001363528.2); c.5232T>A, p.Tyr1744Ter (NM_001370404.1); and 27 more; short protein forms Y1274*, Y1296*, Y1522*, Y1588*, Y1672*, Y1732*, Y1744*, Y1788*.
Identifiers: ClinVar variation 1747080 (VCV001747080.2), dbSNP rs367703283, ClinGen allele CA394315845.

ClinVar aggregate classification (germline): Uncertain significance (1 of 4 stars; one submission).

Conditions:
Hereditary cancer-predisposing syndrome. Also called: Hereditary Cancer Syndrome; Neoplastic Syndromes, Hereditary; Tumor predisposition; Hereditary neoplastic syndrome. Identifiers: Orphanet 140162, MedGen C0027672, MeSH D009386, MONDO:0015356.

Submission:

Ambry Genetics
Classification: Uncertain significance for Hereditary cancer-predisposing syndrome. Last evaluated: 2016-11-17. Review status: criteria provided, single submitter. Criteria: Ambry Variant Classification Scheme 2023. Collection method: clinical testing. Allele origin: germline.
Comment: The p.Y1788* variant (also known as c.5364T>A), located in coding exon 41 of the TSC2 gene, results from a T to A substitution at nucleotide position 5364. This changes the amino acid from a tyrosine to a stop codon within coding exon 41. Premature stop codons are typically deleterious in nature, however, this stop codon, which occurs at the 3' terminus of TSC2, is not expected to trigger nonsense-mediated mRNA decay, and impacts only the last 19 amino acids of the protein. The exact functional impact of these removed amino acids is unknown at this time. This variant was not reported in population based cohorts in the following databases: Database of Single Nucleotide Polymorphisms (dbSNP), NHLBI Exome Sequencing Project (ESP), and 1000 Genomes Project. In the ESP, this variant was not observed in 6493 samples (12986 alleles) with coverage at this position. To date, this alteration has been detected with an allele frequency of approximately 0.005% (greater than 20000 alleles tested) in our clinical cohort. Since supporting evidence is limited at this time, the clinical significance of this alteration remains unclear.